The following is an entry in ClinVar:

ClinVar aggregate classification (germline): Uncertain significance. Review status: criteria provided, multiple submitters, no conflicts (2 of 4 stars). 2 submissions from 2 submitters: Uncertain significance (2). Last evaluated 2025-01-02.

Conditions:
Inborn genetic diseases. Identifiers: MedGen C0950123, MeSH D030342.

Allele frequency attached by ClinVar (database versions not stated): ExAC 0.00001; gnomAD 0.00001; TOPMed 0.00003.
gnomAD v4.1: 29 of 1,613,718 alleles (0.0018%); highest among the groups gnomAD compares: East Asian, 0.0067%; no homozygotes.

Submissions (2):

Ambry Genetics
Classification: Uncertain significance for Inborn genetic diseases. Last evaluated: 2025-01-02. Review status: criteria provided, single submitter. Criteria: Ambry Variant Classification Scheme 2023. Collection method: clinical testing. Allele origin: germline.

Labcorp Genetics (formerly Invitae), Labcorp
Classification: Uncertain significance. Last evaluated: 2022-06-17. Review status: criteria provided, single submitter. Criteria: Invitae Variant Classification Sherloc (09022015). Collection method: clinical testing. Allele origin: germline.
Comment: This sequence change replaces serine, which is neutral and polar, with leucine, which is neutral and non-polar, at codon 602 of the TCIRG1 protein (p.Ser602Leu). This variant is present in population databases (rs766619297, gnomAD 0.009%). This variant has not been reported in the literature in individuals affected with TCIRG1-related conditions. Algorithms developed to predict the effect of missense changes on protein structure and function output the following: SIFT: "Tolerated"; PolyPhen-2: "Benign"; Align-GVGD: "Class C0". The leucine amino acid residue is found in multiple mammalian species, which suggests that this missense change does not adversely affect protein function. In summary, the available evidence is currently insufficient to determine the role of this variant in disease. Therefore, it has been classified as a Variant of Uncertain Significance.

NM_006019.4(TCIRG1):c.1805C>T (p.Ser602Leu)

Gene: TCIRG1 (T cell immune regulator 1, ATPase H+ transporting V0 subunit a3; plus strand). Cytogenetic location: 11q13.2.
Variant type: single nucleotide variant.
Coding change: c.1805C>T on transcript NM_006019.4 (MANE Select); coding-DNA position 1805, C replaced by T.
Protein change: p.Ser602Leu; replaces serine 602 with leucine.
Molecular consequence: missense variant.
Genome position (GRCh38, 1-based): chr11:68,049,212, C>T. VCF-style: chr11-68049212-C-T. GRCh37 (hg19) VCF-style: chr11-67816679-C-T.
Other names: c.911C>T, p.Ser304Leu (NM_001351059.2); c.1157C>T, p.Ser386Leu (NM_006053.4); c.1805C>T (NM_006019.3); short protein forms S304L, S602L, S386L.
Identifiers: ClinVar variation 2182097 (VCV002182097.2), dbSNP rs766619297, ClinGen allele CA6147272.
Genomic context (GRCh38, chr11:68,049,212, plus strand): 5'-GTTACCTCGTGTTCCTAGTCATCTACAAGTGGCTGTGTGTCTGGGCTGCCAGGGCCGCCT[C>T]GGCCCCCAGCATCCTCATCCACTTCATCAACATGTTCCTCTTCTCCCACAGCCCCAGCAA-3'
Protein context (NP_006010.2, residues 592-612): WLCVWAARAA[Ser602Leu]APSILIHFIN